The following is an entry in ClinVar:

NM_001844.5(COL2A1):c.1042G>T (p.Gly348Cys)

Gene: COL2A1 (collagen type II alpha 1 chain; minus strand). Cytogenetic location: 12q13.11.
Variant type: single nucleotide variant.
Coding change: c.1042G>T on transcript NM_001844.5 (MANE Select); coding-DNA position 1042, G replaced by T.
Protein change: p.Gly348Cys; replaces glycine 348 with cysteine.
Molecular consequence: missense variant.
Genome position (GRCh38, 1-based): chr12:47,989,787, C>A on the plus strand (G>T on the coding strand, the complement: COL2A1 is on the minus strand). VCF-style: chr12-47989787-C-A. GRCh37 (hg19) VCF-style: chr12-48383570-C-A.
Other names: c.835G>T, p.Gly279Cys (NM_033150.3); short protein forms G279C, G348C.
Identifiers: ClinVar variation 1471775 (VCV001471775.9), dbSNP rs2136590405, ClinGen allele CA384555459.

ClinVar aggregate classification (germline): Likely pathogenic. Review status: criteria provided, multiple submitters, no conflicts (2 of 4 stars). 2 submissions from 2 submitters: Likely pathogenic (2). Last evaluated 2024-11-05.

Conditions:
Stickler syndrome, type I, nonsyndromic ocular. Also called: STICKLER SYNDROME, TYPE I, PREDOMINANTLY OCULAR; STICKLER SYNDROME, ATYPICAL. Identifiers: MedGen C1836080, MONDO:0012287, OMIM 609508.

Submissions (2):

Labcorp Genetics (formerly Invitae), Labcorp
Classification: Likely pathogenic. Last evaluated: 2024-11-05. Review status: criteria provided, single submitter. Criteria: Invitae Variant Classification Sherloc (09022015). Collection method: clinical testing. Allele origin: germline.
Comment: This sequence change replaces glycine, which is neutral and non-polar, with cysteine, which is neutral and slightly polar, at codon 348 of the COL2A1 protein (p.Gly348Cys). This variant is not present in population databases (gnomAD no frequency). This variant has not been reported in the literature in individuals affected with COL2A1-related conditions. ClinVar contains an entry for this variant (Variation ID: 1471775). Invitae Evidence Modeling of protein sequence and biophysical properties (such as structural, functional, and spatial information, amino acid conservation, physicochemical variation, residue mobility, and thermodynamic stability) indicates that this missense variant is expected to disrupt COL2A1 protein function with a positive predictive value of 95%. This variant disrupts the triple helix domain of COL2A1. Glycine residues within the Gly-Xaa-Yaa repeats of the triple helix domain are required for the structure and stability of fibrillar collagens (PMID: 7695699, 8218237, 19344236). In COL2A1, variants affecting these glycine residues are significantly enriched in individuals with disease (PMID: 9016532, 17078022) compared to the general population (ExAC). In summary, the currently available evidence indicates that the variant is pathogenic, but additional data are needed to prove that conclusively. Therefore, this variant has been classified as Likely Pathogenic.

3billion
Classification: Likely pathogenic for Stickler syndrome, type I, nonsyndromic ocular. Last evaluated: 2024-02-29. Review status: criteria provided, single submitter. Criteria: ACMG Guidelines, 2015. Collection method: clinical testing. Allele origin: germline. Affected: yes.
Comment: The variant is not observed in the gnomAD v2.1.1 dataset. Predicted Consequence/Location: Missense variant In silico tool predictions suggest damaging effect of the variant on gene or gene product [REVEL: 0.95 (>=0.6, sensitivity 0.68 and specificity 0.92); 3Cnet: 1.00 (>=0.6, sensitivity 0.72 and precision 0.9)]. Same nucleotide change resulting in same amino acid change has been previously reported to be associated with COL2A1-related disorder (ClinVar ID: VCV001471775).Different missense changes at the same codon (p.Gly348Asp, p.Gly348Val) have been reported as pathogenic/likely pathogenic with strong evidence (ClinVar ID: VCV001347701, VCV002152150 /PMID: 29620724, 29758562). Therefore, this variant is classified as Likely pathogenic according to the recommendation of ACMG/AMP guideline.

Literature cited by the submitters: PubMed 7695699 (cited by Labcorp Genetics (formerly Invitae), Labcorp); PubMed 8218237 (cited by Labcorp Genetics (formerly Invitae), Labcorp); PubMed 19344236 (cited by Labcorp Genetics (formerly Invitae), Labcorp); PubMed 9016532 (cited by Labcorp Genetics (formerly Invitae), Labcorp); PubMed 17078022 (cited by Labcorp Genetics (formerly Invitae), Labcorp); PubMed 29620724 (cited by 3billion).